The following is an entry in ClinVar:

ClinVar aggregate classification (germline): Likely pathogenic (1 of 4 stars; one submission).

Conditions:
Phenylketonuria (PKU). Also called: OLIGOPHRENIA PHENYLPYRUVICA; Phenylketonurias; Phenylketonuria (PKU); FOLLING DISEASE. Identifiers: Orphanet 716, MedGen C0031485, MONDO:0009861, OMIM 261600. Disease mechanism: loss of function.

Allele frequency attached by ClinVar (database versions not stated): gnomAD exomes below 0.00001; TOPMed 0.00001; gnomAD 0.00001.
gnomAD v4.1: 10 of 1,612,818 alleles (0.00062%); highest among the groups gnomAD compares: Non-Finnish European, 0.00085%; no homozygotes.

Submission:

Labcorp Genetics (formerly Invitae), Labcorp
Classification: Likely pathogenic for Phenylketonuria. Last evaluated: 2025-02-03. Review status: criteria provided, single submitter. Criteria: Invitae Variant Classification Sherloc (09022015). Collection method: clinical testing. Allele origin: germline.
Comment: This sequence change replaces aspartic acid, which is acidic and polar, with glutamic acid, which is acidic and polar, at codon 145 of the PAH protein (p.Asp145Glu). This variant is present in population databases (no rsID available, gnomAD 0.0009%). This variant has not been reported in the literature in individuals affected with PAH-related conditions. ClinVar contains an entry for this variant (Variation ID: 1503089). Invitae Evidence Modeling of protein sequence and biophysical properties (such as structural, functional, and spatial information, amino acid conservation, physicochemical variation, residue mobility, and thermodynamic stability) indicates that this missense variant is not expected to disrupt PAH protein function with a negative predictive value of 80%. This variant disrupts the p.Asp145 amino acid residue in PAH. Other variant(s) that disrupt this residue have been determined to be pathogenic (PMID: 8659548, 24368688, 26666653, 27469133). This suggests that this residue is clinically significant, and that variants that disrupt this residue are likely to be disease-causing. In summary, the currently available evidence indicates that the variant is pathogenic, but additional data are needed to prove that conclusively. Therefore, this variant has been classified as Likely Pathogenic.

Literature cited by the submitters: PubMed 8659548; PubMed 24368688; PubMed 26666653; PubMed 27469133.

NM_000277.3(PAH):c.435C>A (p.Asp145Glu)

Gene: PAH (phenylalanine hydroxylase; minus strand). Cytogenetic location: 12q23.2.
Variant type: single nucleotide variant.
Coding change: c.435C>A on transcript NM_000277.3 (MANE Select); coding-DNA position 435, C replaced by A.
Protein change: p.Asp145Glu; replaces aspartic acid 145 with glutamic acid.
Molecular consequence: missense variant.
Genome position (GRCh38, 1-based): chr12:102,877,468, G>T on the plus strand (C>A on the coding strand, the complement: PAH is on the minus strand). VCF-style: chr12-102877468-G-T. GRCh37 (hg19) VCF-style: chr12-103271246-G-T.
Other names: c.435C>A, p.Asp145Glu (NM_001354304.2); short protein forms D145E.
Identifiers: ClinVar variation 1503089 (VCV001503089.6), dbSNP rs1375045653, ClinGen allele CA386302054.
Genomic context (GRCh38, chr12:102,877,468, plus strand): 5'-GGGGAGTGGAGGAGAGGCACTGAAAAAATCTCATCCTACGGGCCATGGACTCACAGGGTG[G>T]TCAGCATCCAGTTCCGCTCCATAGCTGAGAATCTGATTGGCAAATCTGTCCAGCTCTTGA-3'
Protein context (NP_000268.1, residues 135-155): ILSYGAELDA[Asp145Glu]HPGFKDPVYR